The following is an entry in ClinVar:

ClinVar aggregate classification (germline): Uncertain significance (1 of 4 stars; one submission).

Conditions:
Hereditary pulmonary alveolar proteinosis. Also called: Pulmonary surfactant metabolism dysfunction. Identifiers: Orphanet 264675, MedGen C3711368, MONDO:0012580.

gnomAD v4.1: 1 of 1,613,220 alleles (0.000062%); highest among the groups gnomAD compares: South Asian, 0.0011%; no homozygotes.

Submission:

Ambry Genetics
Classification: Uncertain significance for Hereditary pulmonary alveolar proteinosis. Last evaluated: 2025-04-20. Review status: criteria provided, single submitter. Criteria: Ambry Variant Classification Scheme 2023. Collection method: clinical testing. Allele origin: germline.
Comment: The p.E984G variant (also known as c.2951A>G), located in coding exon 18 of the ABCA3 gene, results from an A to G substitution at nucleotide position 2951. The glutamic acid at codon 984 is replaced by glycine, an amino acid with similar properties. This amino acid position is conserved. In addition, the in silico prediction for this alteration is inconclusive. Based on the available evidence, the clinical significance of this variant remains unclear.

NM_001089.3(ABCA3):c.2951A>G (p.Glu984Gly)

Gene: ABCA3 (ATP binding cassette subfamily A member 3; minus strand). Cytogenetic location: 16p13.3.
Variant type: single nucleotide variant.
Coding change: c.2951A>G on transcript NM_001089.3 (MANE Select); coding-DNA position 2951, A replaced by G.
Protein change: p.Glu984Gly; replaces glutamic acid 984 with glycine.
Molecular consequence: missense variant.
Genome position (GRCh38, 1-based): chr16:2,288,079, T>C on the plus strand (A>G on the coding strand, the complement: ABCA3 is on the minus strand). VCF-style: chr16-2288079-T-C. GRCh37 (hg19) VCF-style: chr16-2338080-T-C.
Other names: short protein forms E984G.
Identifiers: ClinVar variation 3953765 (VCV003953765.1).